The following is an entry in ClinVar:

ClinVar aggregate classification (germline): Uncertain significance (1 of 4 stars; one submission).

Submission:

CeGaT Center for Human Genetics Tuebingen
Classification: Uncertain significance. Last evaluated: 2022-03-01. Review status: criteria provided, single submitter. Criteria: CeGaT Center For Human Genetics Tuebingen Variant Classification Criteria Version 2. Collection method: clinical testing. Allele origin: germline. Affected: yes. Observed: 1 variant allele.
Comment: TENM1: PP2, PP3

NM_001163278.2(TENM1):c.670C>T (p.Arg224Cys)

Gene: TENM1 (teneurin transmembrane protein 1; minus strand). Cytogenetic location: Xq25.
Variant type: single nucleotide variant.
Coding change: c.670C>T on transcript NM_001163278.2 (MANE Select); coding-DNA position 670, C replaced by T.
Protein change: p.Arg224Cys; replaces arginine 224 with cysteine.
Molecular consequence: missense variant.
Genome position (GRCh38, 1-based): chrX:124,737,063, G>A on the plus strand (C>T on the coding strand, the complement: TENM1 is on the minus strand). VCF-style: chrX-124737063-G-A. GRCh37 (hg19) VCF-style: chrX-123870913-G-A.
Other names: c.670C>T, p.Arg224Cys (NM_001163279.1, NM_014253.3); short protein forms R224C.
Identifiers: ClinVar variation 2661368 (VCV002661368.24), dbSNP rs201403053, ClinGen allele CA414288742.